The following is an entry in ClinVar:

ClinVar aggregate classification (germline): Pathogenic (1 of 4 stars; one submission).

Submission:

Labcorp Genetics (formerly Invitae), Labcorp
Classification: Pathogenic. Last evaluated: 2025-11-09. Review status: criteria provided, single submitter. Criteria: Invitae Variant Classification Sherloc (09022015). Collection method: clinical testing. Allele origin: germline.
Comment: This sequence change creates a premature translational stop signal (p.Asn779Lysfs*6) in the FGD1 gene. It is expected to result in an absent or disrupted protein product. Loss-of-function variants in FGD1 are known to be pathogenic (PMID: 21739585, 23211637, 25046119, 26029706). This variant is not present in population databases (gnomAD no frequency). This variant has not been reported in the literature in individuals affected with FGD1-related conditions. For these reasons, this variant has been classified as Pathogenic.

Literature cited by the submitters: PubMed 21739585; PubMed 23211637; PubMed 25046119; PubMed 26029706.

NM_004463.3(FGD1):c.2336dup (p.Asn779fs)

Gene: FGD1 (FYVE, RhoGEF and PH domain containing 1; minus strand). Cytogenetic location: Xp11.22.
Variant type: Duplication.
Coding change: c.2336dup on transcript NM_004463.3 (MANE Select); coding-DNA position 2336, one base duplicated (A; older notation c.2336dupA).
Protein change: p.Asn779fs; shifts the reading frame from asparagine 779.
Molecular consequence: frameshift variant.
Genome position (GRCh38, 1-based): chrX:54,448,906, T duplicated on the plus strand (A on the coding strand, the reverse complement: FGD1 is on the minus strand); the first of 2 consecutive T bases (chrX:54,448,906-54,448,907); duplicating either gives the same sequence. VCF-style (leftmost placement, unchanged base first): chrX-54448905-G-GT. GRCh37 (hg19) VCF-style: chrX-54475338-G-GT.
Other names: short protein forms N779fs.
Identifiers: ClinVar variation 4730804 (VCV004730804.1).